The following is an entry in ClinVar:

NM_000256.3(MYBPC3):c.2633T>A (p.Val878Glu)

Gene: MYBPC3 (myosin binding protein C3; minus strand). Cytogenetic location: 11p11.2.
Variant type: single nucleotide variant.
Coding change: c.2633T>A on transcript NM_000256.3 (MANE Select); coding-DNA position 2633, T replaced by A.
Protein change: p.Val878Glu; replaces valine 878 with glutamic acid.
Molecular consequence: missense variant.
Genome position (GRCh38, 1-based): chr11:47,335,981, A>T on the plus strand (T>A on the coding strand, the complement: MYBPC3 is on the minus strand). VCF-style: chr11-47335981-A-T. GRCh37 (hg19) VCF-style: chr11-47357532-A-T.
Other names: short protein forms V878E.
Identifiers: ClinVar variation 3905879 (VCV003905879.11).
Genomic context (GRCh38, chr11:47,335,981, plus strand): 5'-GCTCCCACGCGCTCTGGGGGCCGCCACTTGAGGGAGACCGTGGTGTCAGAGACGTCCTCT[A>T]CTGCCAGGTGGGTGGGTTCGCTGGGGGGACCTGGGCAGAGGAGAGGTCAGAGAGGGGTCT-3'
Protein context (NP_000247.2, residues 868-888): GPPSEPTHLA[Val878Glu]EDVSDTTVSL

ClinVar aggregate classification (germline): Uncertain significance. Review status: criteria provided, multiple submitters, no conflicts (2 of 4 stars). 2 submissions from 2 submitters: Uncertain significance (2). Last evaluated 2025-09-14.

Conditions:
Hypertrophic cardiomyopathy. Also called: HYPERTROPHIC MYOCARDIOPATHY. Identifiers: Orphanet 217569, MedGen C0007194, MeSH D002312, MONDO:0005045, HP:0001639.

Submissions (2):

Labcorp Genetics (formerly Invitae), Labcorp
Classification: Uncertain significance for Hypertrophic cardiomyopathy. Last evaluated: 2025-09-14. Review status: criteria provided, single submitter. Criteria: Invitae Variant Classification Sherloc (09022015). Collection method: clinical testing. Allele origin: germline.
Comment: This sequence change replaces valine, which is neutral and non-polar, with glutamic acid, which is acidic and polar, at codon 878 of the MYBPC3 protein (p.Val878Glu). This variant is not present in population databases (gnomAD no frequency). This variant has not been reported in the literature in individuals affected with MYBPC3-related conditions. ClinVar contains an entry for this variant (Variation ID: 3905879). An algorithm developed to predict the effect of missense changes on protein structure and function (PolyPhen-2) suggests that this variant is likely to be disruptive. In summary, the available evidence is currently insufficient to determine the role of this variant in disease. Therefore, it has been classified as a Variant of Uncertain Significance.

CeGaT Center for Human Genetics Tuebingen
Classification: Uncertain significance. Last evaluated: 2025-05-01. Review status: criteria provided, single submitter. Criteria: CeGaT Center For Human Genetics Tuebingen Variant Classification Criteria Version 2. Collection method: clinical testing. Allele origin: germline. Affected: yes. Observed: 1 variant allele.
Comment: MYBPC3: PM2, BP2, BP4